The following is an entry in ClinVar:

ClinVar aggregate classification (germline): Likely pathogenic (1 of 4 stars; one submission).

Conditions:
Glycogen storage disease IXa1. Also called: LIVER GLYCOGENOSIS, X-LINKED, TYPE I; GLYCOGEN STORAGE DISEASE VIII; GSD VIII; Glycogen storage disease 8. Identifiers: Orphanet 264580, MedGen C3694531, MONDO:0010598, OMIM 306000.

Submissions (6):

Labcorp Genetics (formerly Invitae), Labcorp
Classification: Likely pathogenic for Glycogen storage disease IXa1. Last evaluated: 2017-08-05. Review status: criteria provided, single submitter. Criteria: Invitae Variant Classification Sherloc (09022015). Collection method: clinical testing. Allele origin: germline.
Comment: Algorithms developed to predict the effect of sequence changes on RNA splicing suggest that this variant may disrupt the consensus splice site, but this prediction has not been confirmed by published transcriptional studies. In summary, the currently available evidence indicates that the variant is pathogenic, but additional data are needed to prove that conclusively. Therefore, this variant has been classified as Likely Pathogenic. Donor and acceptor splice site variants typically lead to a loss of protein function (PMID: 16199547), and loss-of-function variants in PHKA2 are known to be pathogenic (PMID: 7711737, 10330341). This variant has not been reported in the literature in individuals with PHKA2-related disease. This variant is not present in population databases (ExAC no frequency). This sequence change affects a donor splice site in intron 31 of the PHKA2 gene. It is expected to disrupt RNA splicing and likely results in an absent or disrupted protein product.

Dr. Peter K. Rogan Lab, Western University
No classification provided (evidence only). Condition: Thyroid cancer, nonmedullary, 1. Review status: no classification provided. Collection method: in vitro. Allele origin: not applicable. Functional consequence: retained intron. Not counted in ClinVar's aggregate classification.

Dr. Peter K. Rogan Lab, Western University
No classification provided (evidence only). Condition: Thyroid cancer, nonmedullary, 1. Review status: no classification provided. Collection method: in vitro. Allele origin: not applicable. Functional consequence: retained intron. Not counted in ClinVar's aggregate classification.

Dr. Peter K. Rogan Lab, Western University
No classification provided (evidence only). Condition: Thyroid cancer, nonmedullary, 1. Review status: no classification provided. Collection method: in vitro. Allele origin: not applicable. Functional consequence: retained intron. Not counted in ClinVar's aggregate classification.

Dr. Peter K. Rogan Lab, Western University
No classification provided (evidence only). Condition: Thyroid cancer, nonmedullary, 1. Review status: no classification provided. Collection method: in vitro. Allele origin: not applicable. Functional consequence: skipped exon. Not counted in ClinVar's aggregate classification.

Dr. Peter K. Rogan Lab, Western University
No classification provided (evidence only). Condition: Thyroid cancer, nonmedullary, 1. Review status: no classification provided. Collection method: in vitro. Allele origin: not applicable. Functional consequence: retained intron. Not counted in ClinVar's aggregate classification.

Literature cited by the submitters: PubMed 16199547 (cited by Labcorp Genetics (formerly Invitae), Labcorp); PubMed 7711737 (cited by Labcorp Genetics (formerly Invitae), Labcorp); PubMed 10330341 (cited by Labcorp Genetics (formerly Invitae), Labcorp).

NM_000292.3(PHKA2):c.3336+2T>A

Gene: PHKA2 (phosphorylase kinase regulatory subunit alpha 2; minus strand). Cytogenetic location: Xp22.13.
Variant type: single nucleotide variant.
Coding change: c.3336+2T>A on transcript NM_000292.3 (MANE Select); the canonical splice donor site of the intron after coding-DNA position 3336, T replaced by A.
Molecular consequence: splice donor variant.
Genome position (GRCh38, 1-based): chrX:18,895,136, A>T on the plus strand (T>A on the coding strand, the complement: PHKA2 is on the minus strand). VCF-style: chrX-18895136-A-T. GRCh37 (hg19) VCF-style: chrX-18913254-A-T.
Identifiers: ClinVar variation 526621 (VCV000526621.8), dbSNP rs1555988479, ClinGen allele CA412376584.
Genomic context (GRCh38, chrX:18,895,136, plus strand): 5'-TGCAATGAAGCCCTTATTGTGAACCCACAGAGGGGCCCGCCTCTGCGTTTTTCTCATCGT[A>T]CCTCTCGGGTCGTCGAGGATGGGAGGACATAACCATCGATGGAGAGACCGTGGCACTGGA-3'